The following is an entry in ClinVar:

ClinVar aggregate classification (germline): Uncertain significance (1 of 4 stars; one submission).

gnomAD v4.1: 2 of 1,614,192 alleles (0.00012%); highest among the groups gnomAD compares: South Asian, 0.0011%; no homozygotes.

Submission:

Labcorp Genetics (formerly Invitae), Labcorp
Classification: Uncertain significance. Last evaluated: 2022-08-07. Review status: criteria provided, single submitter. Criteria: Invitae Variant Classification Sherloc (09022015). Collection method: clinical testing. Allele origin: germline.
Comment: This variant is not present in population databases (gnomAD no frequency). This sequence change replaces leucine, which is neutral and non-polar, with tryptophan, which is neutral and slightly polar, at codon 114 of the NDUFA10 protein (p.Leu114Trp). This variant has not been reported in the literature in individuals affected with NDUFA10-related conditions. Algorithms developed to predict the effect of missense changes on protein structure and function are either unavailable or do not agree on the potential impact of this missense change (SIFT: "Deleterious"; PolyPhen-2: "Probably Damaging"; Align-GVGD: "Class C15"). In summary, the available evidence is currently insufficient to determine the role of this variant in disease. Therefore, it has been classified as a Variant of Uncertain Significance.

NM_004544.4(NDUFA10):c.341T>G (p.Leu114Trp)

Gene: NDUFA10 (NADH:ubiquinone oxidoreductase subunit A10; minus strand). Cytogenetic location: 2q37.3.
Variant type: single nucleotide variant.
Coding change: c.341T>G on transcript NM_004544.4 (MANE Select); coding-DNA position 341, T replaced by G.
Protein change: p.Leu114Trp; replaces leucine 114 with tryptophan.
Molecular consequence: missense variant. On other transcripts: non-coding transcript variant (4).
Genome position (GRCh38, 1-based): chr2:240,021,316, A>C on the plus strand (T>G on the coding strand, the complement: NDUFA10 is on the minus strand). VCF-style: chr2-240021316-A-C. GRCh37 (hg19) VCF-style: chr2-240960733-A-C.
Other names: c.341T>G, p.Leu114Trp (NM_001322019.2, NM_001322020.2, NM_001410987.1); short protein forms L114W.
Identifiers: ClinVar variation 1715517 (VCV001715517.5), dbSNP rs2469849745, ClinGen allele CA351274070.
Genomic context (GRCh38, chr2:240,021,316, plus strand): 5'-CAGGACTGCAGGCGGTAACTGTTGCCATCATTGCTTCTCGGATCATCGTAAAATTTCTCC[A>C]AACTACAGTTGCCATTATAGTCGGTGGCGAGGGGCTTCCCATCTCCTGTGGTACTGTCTG-3'
Protein context (NP_004535.1, residues 104-124): LATDYNGNCS[Leu114Trp]EKFYDDPRSN